The following is an entry in ClinVar:

ClinVar aggregate classification (germline): Uncertain significance (1 of 4 stars; one submission).

Allele frequency attached by ClinVar (database versions not stated): gnomAD exomes 0.00001; TOPMed 0.00001; ExAC 0.00001.
gnomAD v4.1: 5 of 1,614,268 alleles (0.00031%); highest among the groups gnomAD compares: Admixed American, 0.0083%; no homozygotes.

Submission:

Labcorp Genetics (formerly Invitae), Labcorp
Classification: Uncertain significance. Last evaluated: 2025-12-09. Review status: criteria provided, single submitter. Criteria: Invitae Variant Classification Sherloc (09022015). Collection method: clinical testing. Allele origin: germline.
Comment: This sequence change replaces aspartic acid, which is acidic and polar, with glycine, which is neutral and non-polar, at codon 1078 of the MYH3 protein (p.Asp1078Gly). This variant is present in population databases (rs776191435, gnomAD 0.01%). This variant has not been reported in the literature in individuals affected with MYH3-related conditions. ClinVar contains an entry for this variant (Variation ID: 2011431). Invitae Evidence Modeling of protein sequence and biophysical properties (such as structural, functional, and spatial information, amino acid conservation, physicochemical variation, residue mobility, and thermodynamic stability) indicates that this missense variant is not expected to disrupt MYH3 protein function with a negative predictive value of 95%. In summary, the available evidence is currently insufficient to determine the role of this variant in disease. Therefore, it has been classified as a Variant of Uncertain Significance.

NM_002470.4(MYH3):c.3233A>G (p.Asp1078Gly)

Gene: MYH3 (myosin heavy chain 3; minus strand). Cytogenetic location: 17p13.1.
Variant type: single nucleotide variant.
Coding change: c.3233A>G on transcript NM_002470.4 (MANE Select); coding-DNA position 3233, A replaced by G.
Protein change: p.Asp1078Gly; replaces aspartic acid 1078 with glycine.
Molecular consequence: missense variant.
Genome position (GRCh38, 1-based): chr17:10,639,059, T>C on the plus strand (A>G on the coding strand, the complement: MYH3 is on the minus strand). VCF-style: chr17-10639059-T-C. GRCh37 (hg19) VCF-style: chr17-10542376-T-C.
Other names: short protein forms D1078G.
Identifiers: ClinVar variation 2011431 (VCV002011431.4), dbSNP rs776191435, ClinGen allele CA8392584.
Genomic context (GRCh38, chr17:10,639,059, plus strand): 5'-TACACAGTAACTTGCAAAATGGAAGCCAGTGGTTGAAGGGCATACTTCTTGAGCCTTTCG[T>C]CCAGCTGTTGCTTGTCATTCTCCAGATCTAATATGGACTCTTGAGCAAGCTTCAAGTCTC-3'
Protein context (NP_002461.2, residues 1068-1088): LDLENDKQQL[Asp1078Gly]ERLKKKDFEY